The following is an entry in ClinVar:

NM_000302.4(PLOD1):c.1780G>A (p.Glu594Lys)

Gene: PLOD1 (procollagen-lysine,2-oxoglutarate 5-dioxygenase 1; plus strand). Cytogenetic location: 1p36.22.
Variant type: single nucleotide variant.
Coding change: c.1780G>A on transcript NM_000302.4 (MANE Select); coding-DNA position 1780, G replaced by A.
Protein change: p.Glu594Lys; replaces glutamic acid 594 with lysine.
Molecular consequence: missense variant.
Genome position (GRCh38, 1-based): chr1:11,970,694, G>A. VCF-style: chr1-11970694-G-A. GRCh37 (hg19) VCF-style: chr1-12030751-G-A.
Other names: c.1921G>A, p.Glu641Lys (NM_001316320.2); short protein forms E594K, E641K.
Identifiers: ClinVar variation 430352 (VCV000430352.9), dbSNP rs777937910, ClinGen allele CA598562.

ClinVar aggregate classification (germline): Uncertain significance. Review status: criteria provided, multiple submitters, no conflicts (2 of 4 stars). 4 submissions from 4 submitters: Uncertain significance (4). Last evaluated 2025-03-25.

Conditions:
Familial thoracic aortic aneurysm and aortic dissection (TAAD). Also called: Thoracic aortic aneurysms and dissections. Identifiers: Orphanet 91387, MedGen C4707243, MONDO:0019625.

Allele frequency attached by ClinVar (database versions not stated): gnomAD 0.00001.
gnomAD v4.1: 7 of 1,613,096 alleles (0.00043%); highest among the groups gnomAD compares: Admixed American, 0.005%; no homozygotes.

Submissions (4):

Women's Health and Genetics/Laboratory Corporation of America, LabCorp
Classification: Uncertain significance. Last evaluated: 2025-03-25. Review status: criteria provided, single submitter. Criteria: LabCorp Variant Classification Summary - May 2015. Collection method: clinical testing. Allele origin: germline.
Comment: Variant summary: PLOD1 c.1780G>A (p.Glu594Lys) results in a conservative amino acid change in the encoded protein sequence. Four of five in-silico tools predict a damaging effect of the variant on protein function. The variant allele was found at a frequency of 8e-06 in 250932 control chromosomes. The available data on variant occurrences in the general population are insufficient to allow any conclusion about variant significance. To our knowledge, no occurrence of c.1780G>A in individuals affected with Ehlers-Danlos syndrome, kyphoscoliotic type 1 and no experimental evidence demonstrating its impact on protein function have been reported. ClinVar contains an entry for this variant (Variation ID: 430352). Based on the evidence outlined above, the variant was classified as uncertain significance.

Ambry Genetics
Classification: Uncertain significance for Familial thoracic aortic aneurysm and aortic dissection. Last evaluated: 2024-06-23. Review status: criteria provided, single submitter. Criteria: Ambry Variant Classification Scheme 2023. Collection method: clinical testing. Allele origin: germline.
Comment: The p.E594K variant (also known as c.1780G>A), located in coding exon 17 of the PLOD1 gene, results from a G to A substitution at nucleotide position 1780. The glutamic acid at codon 594 is replaced by lysine, an amino acid with similar properties. This amino acid position is conserved. In addition, this alteration is predicted to be deleterious by in silico analysis. Since supporting evidence is limited at this time, the clinical significance of this alteration remains unclear.

Institute for Clinical Genetics, University Hospital TU Dresden, University Hospital TU Dresden
Classification: Uncertain significance. Last evaluated: 2021-11-03. Review status: criteria provided, single submitter. Criteria: ACMG Guidelines, 2015. Collection method: clinical testing. Allele origin: germline.

GeneDx
Classification: Uncertain significance. Last evaluated: 2017-05-18. Review status: criteria provided, single submitter. Criteria: GeneDx Variant Classification (06012015). Collection method: clinical testing. Allele origin: germline. Affected: yes.
Comment: A variant of uncertain significance has been identified in the PLOD1 gene. The E594K variant has not been published as pathogenic or been reported as benign to our knowledge. E594K is not observed at a significant frequency in large population cohorts (Lek et al., 2016; 1000 Genomes Consortium et al., 2015; Exome Variant Server). The E594K variant is a non-conservative amino acid substitution, which is likely to impact secondary protein structure as these residues differ in polarity, charge, size and/or other properties. Moreover, this substitution occurs at a position that is conserved across species, and in silico analysis predicts this variant is probably damaging to the protein structure/function. Nevertheless, no pathogenic missense variants in nearby residues have been reported in the Human Gene Mutation Database (Stenson et al., 2014), indicating that this region of the gene is not known to harbor disease-causing variants.